The following is an entry in ClinVar:

NM_000548.5(TSC2):c.4305A>T (p.Glu1435Asp)

Gene: TSC2 (TSC complex subunit 2; plus strand). Cytogenetic location: 16p13.3.
Variant type: single nucleotide variant.
Coding change: c.4305A>T on transcript NM_000548.5 (MANE Select); coding-DNA position 4305, A replaced by T.
Protein change: p.Glu1435Asp; replaces glutamic acid 1435 with aspartic acid.
Molecular consequence: missense variant. On other transcripts: non-coding transcript variant (5).
Genome position (GRCh38, 1-based): chr16:2,084,527, A>T. VCF-style: chr16-2084527-A-T. GRCh37 (hg19) VCF-style: chr16-2134528-A-T.
Other names: c.4104A>T, p.Glu1368Asp (NM_001077183.3); c.4236A>T, p.Glu1412Asp (NM_001114382.3); c.3996A>T, p.Glu1332Asp (NM_001318827.2); c.3960A>T, p.Glu1320Asp (NM_001318829.2); c.3573A>T, p.Glu1191Asp (NM_001318831.2); c.4137A>T, p.Glu1379Asp (NM_001318832.2); c.4107A>T, p.Glu1369Asp (NM_001363528.2); c.4173A>T, p.Glu1391Asp (NM_001370404.1); and 26 more; short protein forms E1168D, E1169D, E1191D, E1211D, E1212D, E1215D, E1235D, E1319D.
Identifiers: ClinVar variation 3252752 (VCV003252752.2), dbSNP rs2544276521.

ClinVar aggregate classification (germline): Uncertain significance (1 of 4 stars; one submission).

Submission:

GeneDx
Classification: Uncertain significance. Last evaluated: 2026-09-01. Review status: criteria provided, single submitter. Criteria: GeneDx Variant Classification Process June 2021. Collection method: clinical testing. Allele origin: germline.
Comment: Not observed at significant frequency in large population cohorts (gnomAD); In silico analysis suggests that this missense variant does not alter protein structure/function; Has not been previously published as pathogenic or benign to our knowledge